The following is an entry in ClinVar:

ClinVar aggregate classification (germline): Uncertain significance (1 of 4 stars; one submission).

Conditions:
Hereditary cancer-predisposing syndrome. Also called: Neoplastic Syndromes, Hereditary; Tumor predisposition; Hereditary neoplastic syndrome; Hereditary Cancer Syndrome. Identifiers: Orphanet 140162, MedGen C0027672, MeSH D009386, MONDO:0015356.

Submission:

Ambry Genetics
Classification: Uncertain significance for Hereditary cancer-predisposing syndrome. Last evaluated: 2023-02-06. Review status: criteria provided, single submitter. Criteria: Ambry Variant Classification Scheme 2023. Collection method: clinical testing. Allele origin: germline.
Comment: The p.V1371L variant (also known as c.4111G>T), located in coding exon 21 of the DICER1 gene, results from a G to T substitution at nucleotide position 4111. The valine at codon 1371 is replaced by leucine, an amino acid with highly similar properties. This amino acid position is conserved. In addition, the in silico prediction for this alteration is inconclusive. Since supporting evidence is limited at this time, the clinical significance of this alteration remains unclear.

NM_177438.3(DICER1):c.4111G>T (p.Val1371Leu)

Gene: DICER1 (dicer 1, ribonuclease III; minus strand). Cytogenetic location: 14q32.13.
Variant type: single nucleotide variant.
Coding change: c.4111G>T on transcript NM_177438.3 (MANE Select); coding-DNA position 4111, G replaced by T.
Protein change: p.Val1371Leu; replaces valine 1371 with leucine.
Molecular consequence: missense variant. On other transcripts: non-coding transcript variant (6).
Genome position (GRCh38, 1-based): chr14:95,099,875, C>A on the plus strand (G>T on the coding strand, the complement: DICER1 is on the minus strand). VCF-style: chr14-95099875-C-A. GRCh37 (hg19) VCF-style: chr14-95566212-C-A.
Other names: c.4111G>T, p.Val1371Leu (NM_001195573.1, NM_001271282.3, NM_001291628.2 and 13 more transcripts); c.3829G>T, p.Val1277Leu (NM_001395686.1); c.3706G>T, p.Val1236Leu (NM_001395687.1, NM_001395688.1, NM_001395689.1 and 2 more transcripts); c.3544G>T, p.Val1182Leu (NM_001395691.1); c.2428G>T, p.Val810Leu (NM_001395697.1); short protein forms V810L, V1236L, V1371L, V1182L, V1277L.
Identifiers: ClinVar variation 2451727 (VCV002451727.2), dbSNP rs1276560984, ClinGen allele CA390872088.
Genomic context (GRCh38, chr14:95,099,875, plus strand): 5'-TGTCTTGATTTACTACATAACCAGGAGGAAGCCAATTCACAGGGGGATCAAATATTGACA[C>A]CACCATGCGGCTGGGTAGTCCCTTCTTTTTTCCAAGGCGATACAGATTACAGTTGCTGAC-3'
Protein context (NP_803187.1, residues 1361-1381): KKKGLPSRMV[Val1371Leu]SIFDPPVNWL